The following is an entry in ClinVar:

NM_000165.5(GJA1):c.416T>A (p.Ile139Asn)

Gene: GJA1 (gap junction protein alpha 1; plus strand). Cytogenetic location: 6q22.31.
Variant type: single nucleotide variant.
Coding change: c.416T>A on transcript NM_000165.5 (MANE Select); coding-DNA position 416, T replaced by A.
Protein change: p.Ile139Asn; replaces isoleucine 139 with asparagine.
Molecular consequence: missense variant.
Genome position (GRCh38, 1-based): chr6:121,447,263, T>A. VCF-style: chr6-121447263-T-A. GRCh37 (hg19) VCF-style: chr6-121768409-T-A.
Other names: short protein forms I139N.
Identifiers: ClinVar variation 1320166 (VCV001320166.1), dbSNP rs2114283459, ClinGen allele CA365558963.

ClinVar aggregate classification (germline): Likely pathogenic (1 of 4 stars; one submission).

Conditions:
Oculodentodigital dysplasia (ODDD). Also called: ODD SYNDROME; Oculodentodigital syndrome. Identifiers: Orphanet 2710, MedGen C0812437, MONDO:0008111, OMIM 164200.

Submission:

3billion
Classification: Likely pathogenic for Oculodentodigital dysplasia. Last evaluated: 2021-10-02. Review status: criteria provided, single submitter. Criteria: ACMG Guidelines, 2015. Collection method: clinical testing. Allele origin: germline. Affected: yes. Observed: 1 heterozygote.
Comment: The variant was observed as assumed (i.e. paternity and maternity not confirmed) de novoo (3billion dataset, PM6). It is not observed in the gnomAD v2.1.1 dataset (PM2). Missense changes are a common disease-causing mechanism (PP2). In silico tool predictions suggest damaging effect of the variant on gene or gene product (REVEL: 0.54, 3Cnet: 0.902, PP3). Therefore, this variant is classified as pathogenic according to the recommendation of ACMG/AMP guideline.